The following is an entry in ClinVar:

ClinVar aggregate classification (germline): Benign. Review status: criteria provided, multiple submitters, no conflicts (2 of 4 stars). 4 submissions from 4 submitters: Benign (3). 1 of the submissions does not count toward it. Last evaluated 2026-02-03.

Conditions:
VAC14-related disorder. Also called: VAC14-related condition.

Allele frequency attached by ClinVar (database versions not stated): ExAC 0.01145; gnomAD 0.03723 and 0.04018; TOPMed 0.04168; ESP Exome Variant Server 0.04432; 1000 Genomes Project 0.04493; 1000 Genomes Project 30x 0.04966.
gnomAD v4.1: 10,812 of 1,608,260 alleles (0.67%); highest among the groups gnomAD compares: African/African-American, 13%; 687 homozygotes.

Submissions (4):

Labcorp Genetics (formerly Invitae), Labcorp
Classification: Benign. Last evaluated: 2026-02-03. Review status: criteria provided, single submitter. Criteria: Invitae Variant Classification Sherloc (09022015). Collection method: clinical testing. Allele origin: germline.

GeneDx
Classification: Benign. Last evaluated: 2021-05-05. Review status: criteria provided, single submitter. Criteria: GeneDx Variant Classification Process June 2021. Collection method: clinical testing. Allele origin: germline. Affected: yes.

Breakthrough Genomics
Classification: Benign. Review status: criteria provided, single submitter. Criteria: ACMG Guidelines, 2015. Collection method: not provided. Allele origin: germline. Inheritance: Autosomal recessive inheritance. Affected: yes.

PreventionGenetics, part of Exact Sciences
Classification: Benign for VAC14-related condition. Last evaluated: 2020-02-19. Review status: no assertion criteria provided. Collection method: clinical testing. Allele origin: germline. Not counted in ClinVar's aggregate classification.
Comment: This variant is classified as benign based on ACMG/AMP sequence variant interpretation guidelines (Richards et al. 2015 PMID: 25741868, with internal and published modifications).

NM_018052.5(VAC14):c.48C>T (p.Arg16=)

Gene: VAC14 (VAC14 component of PIKFYVE complex; minus strand). Cytogenetic location: 16q22.2.
Variant type: single nucleotide variant.
Coding change: c.48C>T on transcript NM_018052.5 (MANE Select); coding-DNA position 48, C replaced by T.
Protein change: p.Arg16=; no amino-acid change (arginine 16 retained).
Molecular consequence: synonymous variant. On other transcripts: 5 prime UTR variant (1).
Genome position (GRCh38, 1-based): chr16:70,800,853, G>A on the plus strand (C>T on the coding strand, the complement: VAC14 is on the minus strand). VCF-style: chr16-70800853-G-A. GRCh37 (hg19) VCF-style: chr16-70834756-G-A.
Other names: c.-504C>T (NM_001351157.2).
Identifiers: ClinVar variation 1250299 (VCV001250299.13), dbSNP rs61747638, ClinGen allele CA8148224.